The following is an entry in ClinVar:

ClinVar aggregate classification (germline): Benign. Review status: criteria provided, multiple submitters, no conflicts (2 of 4 stars). 10 submissions from 10 submitters: Benign (7). 3 of the submissions do not count toward it. Last evaluated 2026-05-08.

Conditions:
Epiphyseal dysplasia, multiple, 2 (EDM2). Also called: COL9A2-Related Multiple Epiphyseal Dysplasia. Identifiers: MedGen C1838429, MONDO:0010844, OMIM 600204.

Allele frequency attached by ClinVar (database versions not stated): ESP Exome Variant Server 0.12271; TOPMed 0.14135; gnomAD 0.14424; 1000 Genomes Project 30x 0.17411; 1000 Genomes Project 0.17812.
gnomAD v4.1: 266,324 of 1,613,654 alleles (17%); highest among the groups gnomAD compares: East Asian, 43%; 24,982 homozygotes.

Submissions (14):

Women's Health and Genetics/Laboratory Corporation of America, LabCorp
Classification: Benign. Last evaluated: 2026-05-08. Review status: criteria provided, single submitter. Criteria: LabCorp Variant Classification Summary - May 2015. Collection method: clinical testing. Allele origin: germline.

Labcorp Genetics (formerly Invitae), Labcorp
Classification: Benign. Last evaluated: 2026-02-04. Review status: criteria provided, single submitter. Criteria: Invitae Variant Classification Sherloc (09022015). Collection method: clinical testing. Allele origin: germline.

Blueprint Genetics
Classification: Benign. Last evaluated: 2024-11-26. Review status: criteria provided, single submitter. Criteria: ACMG Guidelines, 2015. Collection method: clinical testing. Allele origin: germline.

Illumina Laboratory Services, Illumina
Classification: Benign for Epiphyseal dysplasia, multiple, 2. Last evaluated: 2018-01-12. Review status: criteria provided, single submitter. Criteria: ICSL Variant Classification Criteria 13 December 2019. Collection method: clinical testing. Allele origin: germline.
Comment: This variant was observed in the ICSL laboratory as part of a predisposition screen in an ostensibly healthy population. It had not been previously curated by ICSL or reported in the Human Gene Mutation Database (HGMD: prior to June 1st, 2018), and was therefore a candidate for classification through an automated scoring system. Utilizing variant allele frequency, disease prevalence and penetrance estimates, and inheritance mode, an automated score was calculated to assess if this variant is too frequent to cause the disease. Based on the score and internal cut-off values, a variant classified as benign is not then subjected to further curation. The score for this variant resulted in a classification of benign for this disease.

GeneDx
Classification: Benign. Last evaluated: 2016-09-30. Review status: criteria provided, single submitter. Criteria: GeneDx Variant Classification (06012015). Collection method: clinical testing. Allele origin: germline. Affected: yes.
Comment: This variant is considered likely benign or benign based on one or more of the following criteria: it is a conservative change, it occurs at a poorly conserved position in the protein, it is predicted to be benign by multiple in silico algorithms, and/or has population frequency not consistent with disease.

Breakthrough Genomics
Classification: Benign. Review status: criteria provided, single submitter. Criteria: ACMG Guidelines, 2015. Collection method: not provided. Allele origin: germline. Inheritance: Autosomal recessive inheritance. Affected: yes.

PreventionGenetics, part of Exact Sciences
Classification: Benign. Review status: criteria provided, single submitter. Criteria: ACMG Guidelines, 2015. Collection method: clinical testing. Allele origin: germline.

Clinical Genetics DNA and cytogenetics Diagnostics Lab, Erasmus MC, Erasmus Medical Center
Classification: Benign. Review status: no assertion criteria provided. Collection method: clinical testing. Allele origin: germline. Affected: yes. Study: VKGL Data-share Consensus. Not counted in ClinVar's aggregate classification.

Dr. Peter K. Rogan Lab, Western University
No classification provided (evidence only). Condition: Malignant lymphoma, large B-cell, diffuse. Review status: no classification provided. Collection method: in vitro. Allele origin: not applicable. Functional consequence: retained intron. Not counted in ClinVar's aggregate classification.

Dr. Peter K. Rogan Lab, Western University
No classification provided (evidence only). Condition: Malignant lymphoma, large B-cell, diffuse. Review status: no classification provided. Collection method: in vitro. Allele origin: not applicable. Functional consequence: retained intron. Not counted in ClinVar's aggregate classification.

Dr. Peter K. Rogan Lab, Western University
No classification provided (evidence only). Condition: Malignant lymphoma, large B-cell, diffuse. Review status: no classification provided. Collection method: in vitro. Allele origin: not applicable. Functional consequence: retained intron. Not counted in ClinVar's aggregate classification.

Dr. Peter K. Rogan Lab, Western University
No classification provided (evidence only). Condition: Malignant lymphoma, large B-cell, diffuse. Review status: no classification provided. Collection method: in vitro. Allele origin: not applicable. Functional consequence: retained intron. Not counted in ClinVar's aggregate classification.

Genome Diagnostics Laboratory, Amsterdam University Medical Center
Classification: Benign. Review status: no assertion criteria provided. Collection method: clinical testing. Allele origin: germline. Affected: yes. Study: VKGL Data-share Consensus. Not counted in ClinVar's aggregate classification.

Joint Genome Diagnostic Labs from Nijmegen and Maastricht, Radboudumc and MUMC+
Classification: Benign. Review status: no assertion criteria provided. Collection method: clinical testing. Allele origin: germline. Affected: yes. Study: VKGL Data-share Consensus. Not counted in ClinVar's aggregate classification.

NM_001852.4(COL9A2):c.630+13G>T

Gene: COL9A2 (collagen type IX alpha 2 chain; minus strand). Cytogenetic location: 1p34.2.
Variant type: single nucleotide variant.
Coding change: c.630+13G>T on transcript NM_001852.4 (MANE Select); 13 bases into the intron after coding-DNA position 630, G replaced by T.
Molecular consequence: intron variant.
Genome position (GRCh38, 1-based): chr1:40,311,080, C>A on the plus strand (G>T on the coding strand, the complement: COL9A2 is on the minus strand). VCF-style: chr1-40311080-C-A. GRCh37 (hg19) VCF-style: chr1-40776752-C-A.
Identifiers: ClinVar variation 258392 (VCV000258392.22), dbSNP rs3737815, ClinGen allele CA791830.
Genomic context (GRCh38, chr1:40,311,080, plus strand): 5'-GAAGAAGGGGACAGAGCCCTGTAGGACCATCTCCACGTATCCCTGACCCACAGCCCTCAG[C>A]CCTTGCACTCACCGGCTTCCCCTGGTGGCCAGGATCACCCAGAATCCCGCGTTTGCCCGC-3'